The following is an entry in ClinVar:

ClinVar aggregate classification (germline): Uncertain significance (1 of 4 stars; one submission).

Conditions:
Familial cancer of breast. Also called: Hereditary breast cancer; BREAST CANCER, FAMILIAL; hereditary breast carcinoma. Identifiers: Orphanet 227535, MedGen C0346153, MONDO:0016419, OMIM 114480. Disease mechanism: loss of function.

Submission:

Labcorp Genetics (formerly Invitae), Labcorp
Classification: Uncertain significance for Familial cancer of breast. Last evaluated: 2020-06-23. Review status: criteria provided, single submitter. Criteria: Invitae Variant Classification Sherloc (09022015). Collection method: clinical testing. Allele origin: germline.
Comment: In summary, the available evidence is currently insufficient to determine the role of this variant in disease. Therefore, it has been classified as a Variant of Uncertain Significance. Algorithms developed to predict the effect of sequence changes on RNA splicing suggest that this variant may create or strengthen a splice site, but this prediction has not been confirmed by published transcriptional studies. Algorithms developed to predict the effect of missense changes on protein structure and function (SIFT, PolyPhen-2, Align-GVGD) all suggest that this variant is likely to be tolerated, but these predictions have not been confirmed by published functional studies and their clinical significance is uncertain. This variant has not been reported in the literature in individuals with PALB2-related conditions. This variant is not present in population databases (ExAC no frequency). This sequence change replaces proline with arginine at codon 378 of the PALB2 protein (p.Pro378Arg). The proline residue is weakly conserved and there is a moderate physicochemical difference between proline and arginine.

NM_024675.4(PALB2):c.1133C>G (p.Pro378Arg)

Gene: PALB2 (partner and localizer of BRCA2; minus strand). Cytogenetic location: 16p12.2.
Variant type: single nucleotide variant.
Coding change: c.1133C>G on transcript NM_024675.4 (MANE Select); coding-DNA position 1133, C replaced by G.
Protein change: p.Pro378Arg; replaces proline 378 with arginine.
Molecular consequence: missense variant.
Genome position (GRCh38, 1-based): chr16:23,635,413, G>C on the plus strand (C>G on the coding strand, the complement: PALB2 is on the minus strand). VCF-style: chr16-23635413-G-C. GRCh37 (hg19) VCF-style: chr16-23646734-G-C.
Other names: short protein forms P378R.
Identifiers: ClinVar variation 1021187 (VCV001021187.9), dbSNP rs1442895662, ClinGen allele CA395133628.
Genomic context (GRCh38, chr16:23,635,413, plus strand): 5'-ACTGTGCAAGAATGTTTTTCTGCAGAAAGAGGAGAGGTTGCTTCCAGGCTAAGACTCTTA[G>C]GTTGACTTAGAATCTCACTTTCCTGAAGATTTTCATTCCTGCCATCAAGAGTGTCACTGG-3'
Protein context (NP_078951.2, residues 368-388): NLQESEILSQ[Pro378Arg]KSLSLEATSP